The following is an entry in ClinVar:

NM_002582.4(PARN):c.1625A>G (p.Gln542Arg)

Gene: PARN (poly(A)-specific ribonuclease; minus strand). Cytogenetic location: 16p13.12.
Variant type: single nucleotide variant.
Coding change: c.1625A>G on transcript NM_002582.4 (MANE Select); coding-DNA position 1625, A replaced by G.
Protein change: p.Gln542Arg; replaces glutamine 542 with arginine.
Molecular consequence: missense variant.
Genome position (GRCh38, 1-based): chr16:14,482,683, T>C on the plus strand (A>G on the coding strand, the complement: PARN is on the minus strand). VCF-style: chr16-14482683-T-C. GRCh37 (hg19) VCF-style: chr16-14576540-T-C.
Other names: c.1442A>G, p.Gln481Arg (NM_001134477.3); c.1487A>G, p.Gln496Arg (NM_001242992.2); short protein forms Q481R, Q496R, Q542R.
Identifiers: ClinVar variation 3751849 (VCV003751849.2).

ClinVar aggregate classification (germline): Uncertain significance (1 of 4 stars; one submission).

Conditions:
Dyskeratosis congenita, autosomal recessive 6 (DKCB6). Identifiers: MedGen C4225356, MONDO:0014600, OMIM 616353.
Pulmonary fibrosis and/or bone marrow failure, Telomere-related, 4. Also called: PULMONARY FIBROSIS AND/OR BONE MARROW FAILURE SYNDROME, TELOMERE-RELATED, 4. Identifiers: Orphanet 2032, MedGen C4225347, MONDO:0014612, OMIM 616371.

Submission:

Labcorp Genetics (formerly Invitae), Labcorp
Classification: Uncertain significance for Dyskeratosis congenita, autosomal recessive 6; Pulmonary fibrosis and/or bone marrow failure, Telomere-related, 4. Last evaluated: 2024-08-02. Review status: criteria provided, single submitter. Criteria: Invitae Variant Classification Sherloc (09022015). Collection method: clinical testing. Allele origin: germline.
Comment: This sequence change replaces glutamine, which is neutral and polar, with arginine, which is basic and polar, at codon 542 of the PARN protein (p.Gln542Arg). This variant is not present in population databases (gnomAD no frequency). This variant has not been reported in the literature in individuals affected with PARN-related conditions. An algorithm developed to predict the effect of missense changes on protein structure and function (PolyPhen-2) suggests that this variant is likely to be tolerated. In summary, the available evidence is currently insufficient to determine the role of this variant in disease. Therefore, it has been classified as a Variant of Uncertain Significance.